The following is an entry in ClinVar:

ClinVar aggregate classification (germline): Uncertain significance (1 of 4 stars; one submission).

Conditions:
Hyperphosphatasia with impaired intellectual development syndrome 2. Also called: Hyperphosphatasia with intellectual disability syndrome 2; GLYCOSYLPHOSPHATIDYLINOSITOL BIOSYNTHESIS DEFECT 6. Identifiers: Orphanet 247262, MedGen C3553637, MONDO:0013882, OMIM 614749.

Allele frequency attached by ClinVar (database versions not stated): gnomAD exomes below 0.00001.
gnomAD v4.1: 5 of 1,613,556 alleles (0.00031%); highest among the groups gnomAD compares: Non-Finnish European, 0.00034%; no homozygotes.

Submission:

Labcorp Genetics (formerly Invitae), Labcorp
Classification: Uncertain significance for Hyperphosphatasia with impaired intellectual development syndrome 2. Last evaluated: 2022-05-21. Review status: criteria provided, single submitter. Criteria: Invitae Variant Classification Sherloc (09022015). Collection method: clinical testing. Allele origin: germline.
Comment: This sequence change replaces glycine, which is neutral and non-polar, with alanine, which is neutral and non-polar, at codon 754 of the PIGO protein (p.Gly754Ala). In summary, the available evidence is currently insufficient to determine the role of this variant in disease. Therefore, it has been classified as a Variant of Uncertain Significance. Algorithms developed to predict the effect of missense changes on protein structure and function are either unavailable or do not agree on the potential impact of this missense change (SIFT: "Tolerated"; PolyPhen-2: "Probably Damaging"; Align-GVGD: "Class C0"). This variant has not been reported in the literature in individuals affected with PIGO-related conditions. This variant is present in population databases (no rsID available, gnomAD 0.005%).

NM_032634.4(PIGO):c.2261G>C (p.Gly754Ala)

Gene: PIGO (phosphatidylinositol glycan anchor biosynthesis class O; minus strand). Cytogenetic location: 9p13.3.
Variant type: single nucleotide variant.
Coding change: c.2261G>C on transcript NM_032634.4 (MANE Select); coding-DNA position 2261, G replaced by C.
Protein change: p.Gly754Ala; replaces glycine 754 with alanine.
Molecular consequence: missense variant. On other transcripts: intron variant (2).
Genome position (GRCh38, 1-based): chr9:35,091,626, C>G on the plus strand (G>C on the coding strand, the complement: PIGO is on the minus strand). VCF-style: chr9-35091626-C-G. GRCh37 (hg19) VCF-style: chr9-35091623-C-G.
Other names: c.1345-335G>C (NM_152850.4, NM_001201484.2); short protein forms G754A.
Identifiers: ClinVar variation 1404159 (VCV001404159.5), dbSNP rs1424475122, ClinGen allele CA373320450.